The following is an entry in ClinVar:

NM_004174.4(SLC9A3):c.1856C>T (p.Thr619Met)

Genes: SLC9A3 (solute carrier family 9 member A3), SLC9A3-AS1 (SLC9A3 antisense RNA 1; plus strand). Cytogenetic location: 5p15.33.
Variant type: single nucleotide variant.
Coding change: c.1856C>T on transcript NM_004174.4 (MANE Select); coding-DNA position 1856, C replaced by T.
Protein change: p.Thr619Met; replaces threonine 619 with methionine.
Molecular consequence: missense variant.
Genome position (GRCh38, 1-based): chr5:476,577, G>A on the plus strand (C>T on the coding strand, the complement: SLC9A3 is on the minus strand). VCF-style: chr5-476577-G-A. GRCh37 (hg19) VCF-style: chr5-476692-G-A.
Other names: c.1829C>T, p.Thr610Met (NM_001284351.3); short protein forms T610M, T619M.
Identifiers: ClinVar variation 1390282 (VCV001390282.3), dbSNP rs140444435, ClinGen allele CA3175687.

ClinVar aggregate classification (germline): Uncertain significance (1 of 4 stars; one submission).

Allele frequency attached by ClinVar (database versions not stated): ExAC 0.00003; ESP Exome Variant Server 0.00008.
gnomAD v4.1: 36 of 1,611,262 alleles (0.0022%); highest among the groups gnomAD compares: Admixed American, 0.0033%; no homozygotes.

Submission:

Labcorp Genetics (formerly Invitae), Labcorp
Classification: Uncertain significance. Last evaluated: 2022-09-01. Review status: criteria provided, single submitter. Criteria: Invitae Variant Classification Sherloc (09022015). Collection method: clinical testing. Allele origin: germline.
Comment: This sequence change replaces threonine, which is neutral and polar, with methionine, which is neutral and non-polar, at codon 619 of the SLC9A3 protein (p.Thr619Met). This variant is present in population databases (rs140444435, gnomAD 0.005%). This variant has not been reported in the literature in individuals affected with SLC9A3-related conditions. ClinVar contains an entry for this variant (Variation ID: 1390282). Algorithms developed to predict the effect of missense changes on protein structure and function are either unavailable or do not agree on the potential impact of this missense change (SIFT: "Not Available"; PolyPhen-2: "Benign"; Align-GVGD: "Not Available"). In summary, the available evidence is currently insufficient to determine the role of this variant in disease. Therefore, it has been classified as a Variant of Uncertain Significance.